The following is an entry in ClinVar:

NM_001142966.3(GREB1L):c.3376G>A (p.Val1126Ile)

Gene: GREB1L (GREB1 like retinoic acid receptor coactivator; plus strand). Cytogenetic location: 18q11.1.
Variant type: single nucleotide variant.
Coding change: c.3376G>A on transcript NM_001142966.3 (MANE Select); coding-DNA position 3376, G replaced by A.
Protein change: p.Val1126Ile; replaces valine 1126 with isoleucine.
Molecular consequence: missense variant.
Genome position (GRCh38, 1-based): chr18:21,496,683, G>A. VCF-style: chr18-21496683-G-A. GRCh37 (hg19) VCF-style: chr18-19076644-G-A.
Other names: c.3505G>A, p.Val1169Ile (NM_001410867.1); c.3049G>A, p.Val1017Ile (NM_001410868.1); short protein forms V1017I, V1126I, V1169I.
Identifiers: ClinVar variation 4766169 (VCV004766169.1).

ClinVar aggregate classification (germline): Uncertain significance (1 of 4 stars; one submission).

Submission:

Labcorp Genetics (formerly Invitae), Labcorp
Classification: Uncertain significance. Last evaluated: 2025-03-11. Review status: criteria provided, single submitter. Criteria: Invitae Variant Classification Sherloc (09022015). Collection method: clinical testing. Allele origin: germline.
Comment: This sequence change replaces valine, which is neutral and non-polar, with isoleucine, which is neutral and non-polar, at codon 1126 of the GREB1L protein (p.Val1126Ile). This variant is not present in population databases (gnomAD no frequency). This variant has not been reported in the literature in individuals affected with GREB1L-related conditions. An algorithm developed to predict the effect of missense changes on protein structure and function outputs the following: PolyPhen-2: "Benign". The isoleucine amino acid residue is found in multiple mammalian species, which suggests that this missense change does not adversely affect protein function. In summary, the available evidence is currently insufficient to determine the role of this variant in disease. Therefore, it has been classified as a Variant of Uncertain Significance.